The following is an entry in ClinVar:

NM_001267550.2(TTN):c.103909C>T (p.Arg34637Trp)

Genes: TTN (titin; minus strand), TTN-AS1 (TTN antisense RNA 1; plus strand). Cytogenetic location: 2q31.2.
Variant type: single nucleotide variant.
Coding change: c.103909C>T on transcript NM_001267550.2 (MANE Select); coding-DNA position 103909, C replaced by T.
Protein change: p.Arg34637Trp; replaces arginine 34637 with tryptophan.
Molecular consequence: missense variant.
Genome position (GRCh38, 1-based): chr2:178,532,706, G>A on the plus strand (C>T on the coding strand, the complement: TTN is on the minus strand). VCF-style: chr2-178532706-G-A. GRCh37 (hg19) VCF-style: chr2-179397433-G-A.
Other names: p.R32996W:CGG>TGG; c.76714C>T, p.Arg25572Trp (NM_003319.4); c.77089C>T, p.Arg25697Trp (NM_133432.3); c.77290C>T, p.Arg25764Trp (NM_133437.4); c.98986C>T, p.Arg32996Trp (NM_001256850.1); c.96205C>T, p.Arg32069Trp (NM_133378.4); short protein forms R32996W, R34637W, R32069W, R25572W, R25764W, R25697W.
Identifiers: ClinVar variation 203074 (VCV000203074.20), dbSNP rs200716930, ClinGen allele CA311160.

ClinVar aggregate classification (germline): Conflicting classifications of pathogenicity. Review status: criteria provided, conflicting classifications (1 of 4 stars). 6 submissions from 6 submitters: Uncertain significance (5); Likely benign (1). Last evaluated 2026-05-21.

Conditions:
TTN-related disorder. Also called: TTN-related condition; TTN-related disease; TTN-related disorders.
Dilated cardiomyopathy 1G (CMD1G). Identifiers: Orphanet 154, MedGen C1858763, MONDO:0011400, OMIM 604145.
Autosomal recessive limb-girdle muscular dystrophy type 2J (LGMDR10). Also called: Limb-girdle muscular dystrophy, type 2J; MUSCULAR DYSTROPHY, LIMB-GIRDLE, AUTOSOMAL RECESSIVE 10. Identifiers: Orphanet 140922, MedGen C1837342, MONDO:0012127, OMIM 608807.

Allele frequency attached by ClinVar (database versions not stated): gnomAD exomes 0.00004; gnomAD 0.00006; TOPMed 0.00016; 1000 Genomes Project 0.00020; 1000 Genomes Project 30x 0.00031.
gnomAD v4.1: 26 of 1,613,916 alleles (0.0016%); highest among the groups gnomAD compares: Admixed American, 0.023%; no homozygotes.

Submissions (6):

PreventionGenetics, part of Exact Sciences
Classification: Uncertain significance for TTN-related condition. Last evaluated: 2026-05-21. Review status: criteria provided, single submitter. Criteria: ACMG Guidelines, 2015. Collection method: clinical testing. Allele origin: germline.
Comment: The TTN c.103909C>T variant is predicted to result in the amino acid substitution p.Arg34637Trp. To our knowledge, this variant has not been reported in the literature. This variant is reported in 0.014% of alleles in individuals of Latino descent in gnomAD. At this time, the clinical significance of this variant is uncertain due to the absence of conclusive functional and genetic evidence.

Labcorp Genetics (formerly Invitae), Labcorp
Classification: Uncertain significance for Dilated cardiomyopathy 1G; Autosomal recessive limb-girdle muscular dystrophy type 2J. Last evaluated: 2022-06-03. Review status: criteria provided, single submitter. Criteria: Invitae Variant Classification Sherloc (09022015). Collection method: clinical testing. Allele origin: germline.
Comment: This sequence change replaces arginine, which is basic and polar, with tryptophan, which is neutral and slightly polar, at codon 34637 of the TTN protein (p.Arg34637Trp). This variant is present in population databases (rs200716930, gnomAD 0.01%). This variant has not been reported in the literature in individuals affected with TTN-related conditions. ClinVar contains an entry for this variant (Variation ID: 203074). Experimental studies and prediction algorithms are not available or were not evaluated, and the functional significance of this variant is currently unknown. This variant is located in the M band of TTN (PMID: 25589632). Variants in this region may be relevant for neuromuscular disorders, but have not been definitively shown to cause cardiomyopathy (PMID: 23975875). In summary, the available evidence is currently insufficient to determine the role of this variant in disease. Therefore, it has been classified as a Variant of Uncertain Significance.

Revvity Omics, Revvity
Classification: Uncertain significance. Last evaluated: 2020-09-18. Review status: criteria provided, single submitter. Criteria: ACMG Guidelines, 2015. Collection method: clinical testing. Allele origin: germline.

GeneDx
Classification: Likely benign. Last evaluated: 2019-06-25. Review status: criteria provided, single submitter. Criteria: GeneDx Variant Classification Process June 2021. Collection method: clinical testing. Allele origin: germline. Affected: yes.

Eurofins Ntd Llc (ga)
Classification: Uncertain significance. Last evaluated: 2017-05-24. Review status: criteria provided, single submitter. Criteria: EGL Classification Definitions 2015. Collection method: clinical testing. Allele origin: germline. Observed: 1 variant allele, 1 heterozygote.

Laboratory for Molecular Medicine, Mass General Brigham Personalized Medicine
Classification: Uncertain significance. Last evaluated: 2015-10-01. Review status: criteria provided, single submitter. Criteria: LMM Criteria. Collection method: clinical testing. Allele origin: germline. Observed: 1 variant allele.
Comment: The p.Arg32069Trp variant in TTN has not been previously reported in individuals with cardiomyopathy, but has been identified in 4/11534 of Latino chromosomes b y the Exome Aggregation Consortium (ExAC; dbSNP rs200716930). Computational prediction tools and conservation analysis do not pr ovide strong support for or against an impact to the protein. In summary, the cl inical significance of the p.Arg32069Trp variant is uncertain.

Literature cited by the submitters: PubMed 25589632 (cited by Labcorp Genetics (formerly Invitae), Labcorp); PubMed 23975875 (cited by Labcorp Genetics (formerly Invitae), Labcorp).